The following is an entry in ClinVar:

ClinVar aggregate classification (germline): Uncertain significance. Review status: criteria provided, multiple submitters, no conflicts (2 of 4 stars). 3 submissions from 3 submitters: Uncertain significance (3). Last evaluated 2025-06-01.

Conditions:
Intellectual disability-severe speech delay-mild dysmorphism syndrome (IDDLA). Also called: Mental retardation with language impairment and autistic features; Intellectual developmental disorder with language impairment AND with or without autistic features; FOXP1 Syndrome. Identifiers: Orphanet 391372, MedGen C4013764, MONDO:0013352, OMIM 613670.

Allele frequency attached by ClinVar (database versions not stated): gnomAD exomes below 0.00001.
gnomAD v4.1: 1 of 1,613,996 alleles (0.000062%); highest among the groups gnomAD compares: Non-Finnish European, 0.000085%; no homozygotes.

Submissions (3):

Labcorp Genetics (formerly Invitae), Labcorp
Classification: Uncertain significance. Last evaluated: 2025-06-01. Review status: criteria provided, single submitter. Criteria: Invitae Variant Classification Sherloc (09022015). Collection method: clinical testing. Allele origin: germline.
Comment: This sequence change replaces histidine, which is basic and polar, with tyrosine, which is neutral and polar, at codon 631 of the FOXP1 protein (p.His631Tyr). This variant is not present in population databases (gnomAD no frequency). This variant has not been reported in the literature in individuals affected with FOXP1-related conditions. ClinVar contains an entry for this variant (Variation ID: 1299616). An algorithm developed to predict the effect of missense changes on protein structure and function (PolyPhen-2) suggests that this variant is likely to be disruptive. In summary, the available evidence is currently insufficient to determine the role of this variant in disease. Therefore, it has been classified as a Variant of Uncertain Significance.

Laboratory of Medical Genetics, National & Kapodistrian University of Athens
Classification: Uncertain significance for Intellectual disability-severe speech delay-mild dysmorphism syndrome. Last evaluated: 2021-10-06. Review status: criteria provided, single submitter. Criteria: ACMG Guidelines, 2015. Collection method: clinical testing. Allele origin: maternal.
Comment: PM2, PP2, PP3

GeneDx
Classification: Uncertain significance. Last evaluated: 2019-08-12. Review status: criteria provided, single submitter. Criteria: GeneDx Variant Classification Process June 2021. Collection method: clinical testing. Allele origin: germline. Affected: yes.
Comment: Has not been previously published as pathogenic or benign to our knowledge; In silico analysis, which includes protein predictors and evolutionary conservation, supports that this variant does not alter protein structure/function; In silico analysis, which includes splice predictors and evolutionary conservation, suggests this variant may impact gene splicing. In the absence of RNA/functional studies, the actual effect of this sequence change is unknown.; Not observed in large population cohorts (Lek et al., 2016)

NM_001349338.3(FOXP1):c.1891C>T (p.His631Tyr)

Gene: FOXP1 (forkhead box P1; minus strand). Cytogenetic location: 3p13.
Variant type: single nucleotide variant.
Coding change: c.1891C>T on transcript NM_001349338.3 (MANE Select); coding-DNA position 1891, C replaced by T.
Protein change: p.His631Tyr; replaces histidine 631 with tyrosine.
Molecular consequence: missense variant. On other transcripts: non-coding transcript variant (2).
Genome position (GRCh38, 1-based): chr3:70,959,390, G>A on the plus strand (C>T on the coding strand, the complement: FOXP1 is on the minus strand). VCF-style: chr3-70959390-G-A. GRCh37 (hg19) VCF-style: chr3-71008541-G-A.
Other names: c.1891C>T (NM_032682.5); c.1888C>T, p.His630Tyr (NM_001244808.3, NM_001349341.3); c.1939C>T, p.His647Tyr (NM_001244810.2); c.1663C>T, p.His555Tyr (NM_001244812.3); c.1591C>T, p.His531Tyr (NM_001244813.3, NM_001244815.2, NM_001349342.3); c.1891C>T, p.His631Tyr (NM_001244814.3, NM_001244816.2, NM_001349340.3 and 1 more transcripts); c.1588C>T, p.His530Tyr (NM_001349337.2, NM_001349343.3, NM_001349344.3 and 1 more transcripts); short protein forms H530Y, H531Y, H555Y, H630Y, H631Y, H647Y.
Identifiers: ClinVar variation 1299616 (VCV001299616.7), dbSNP rs2106858982, ClinGen allele CA353488788.
Genomic context (GRCh38, chr3:70,959,390, plus strand): 5'-AGGACAGGGGCCCTTCAGCTTCCTCTGGATCGAGGGGCTCTTCTTTGACGTGTACAGGAT[G>A]CCTGGAAAAAATATGCAGAGGTTCAGTGAGGGTACTTCCCAGCCCATTGCAGCTCAGGTG-3'
Protein context (NP_001336267.1, residues 621-641): SPGRSPMQAV[His631Tyr]PVHVKEEPLD